The following is an entry in ClinVar:

NM_018896.5(CACNA1G):c.2240G>A (p.Arg747Gln)

Gene: CACNA1G (calcium voltage-gated channel subunit alpha1 G; plus strand). Cytogenetic location: 17q21.33.
Variant type: single nucleotide variant.
Coding change: c.2240G>A on transcript NM_018896.5 (MANE Select); coding-DNA position 2240, G replaced by A.
Protein change: p.Arg747Gln; replaces arginine 747 with glutamine.
Molecular consequence: missense variant. On other transcripts: non-coding transcript variant (5).
Genome position (GRCh38, 1-based): chr17:50,578,503, G>A. VCF-style: chr17-50578503-G-A. GRCh37 (hg19) VCF-style: chr17-48655864-G-A.
Other names: c.2240G>A (NM_018896.3); c.2240G>A, p.Arg747Gln (NM_001256324.2, NM_001256325.2, NM_001256326.2 and 24 more transcripts); short protein forms R747Q.
Identifiers: ClinVar variation 1012425 (VCV001012425.43), dbSNP rs1234012095, ClinGen allele CA400243202.
Genomic context (GRCh38, chr17:50,578,503, plus strand): 5'-CCTTCTGGAGGCTAATCTGTGACACCTTCCGAAAGATTGTGGACAGCAAGTACTTTGGCC[G>A]GGGAATCATGATCGCCATCCTGGTCAACACACTCAGCATGGGCATCGAATACCACGAGCA-3'
Protein context (NP_061496.2, residues 737-757): RKIVDSKYFG[Arg747Gln]GIMIAILVNT

ClinVar aggregate classification (germline): Uncertain significance. Review status: criteria provided, multiple submitters, no conflicts (2 of 4 stars). 4 submissions from 4 submitters: Uncertain significance (4). Last evaluated 2024-06-21.

Conditions:
Inborn genetic diseases. Identifiers: MedGen C0950123, MeSH D030342.

Allele frequency attached by ClinVar (database versions not stated): gnomAD exomes 0.00001 and 0.00002; gnomAD 0.00004; TOPMed 0.00004.
gnomAD v4.1: 24 of 1,584,384 alleles (0.0015%); highest among the groups gnomAD compares: Middle Eastern, 0.017%; no homozygotes.

Submissions (4):

Labcorp Genetics (formerly Invitae), Labcorp
Classification: Uncertain significance. Last evaluated: 2024-06-21. Review status: criteria provided, single submitter. Criteria: Invitae Variant Classification Sherloc (09022015). Collection method: clinical testing. Allele origin: germline.
Comment: This sequence change replaces arginine, which is basic and polar, with glutamine, which is neutral and polar, at codon 747 of the CACNA1G protein (p.Arg747Gln). This variant is present in population databases (no rsID available, gnomAD 0.01%). This variant has not been reported in the literature in individuals affected with CACNA1G-related conditions. ClinVar contains an entry for this variant (Variation ID: 1012425). Advanced modeling of protein sequence and biophysical properties (such as structural, functional, and spatial information, amino acid conservation, physicochemical variation, residue mobility, and thermodynamic stability) has been performed at Invitae for this missense variant, however the output from this modeling did not meet the statistical confidence thresholds required to predict the impact of this variant on CACNA1G protein function. In summary, the available evidence is currently insufficient to determine the role of this variant in disease. Therefore, it has been classified as a Variant of Uncertain Significance.

Ambry Genetics
Classification: Uncertain significance for Inborn genetic diseases. Last evaluated: 2024-02-02. Review status: criteria provided, single submitter. Criteria: Ambry Variant Classification Scheme 2023. Collection method: clinical testing. Allele origin: germline.

GeneDx
Classification: Uncertain significance. Last evaluated: 2022-06-10. Review status: criteria provided, single submitter. Criteria: GeneDx Variant Classification Process June 2021. Collection method: clinical testing. Allele origin: germline. Affected: yes.
Comment: In silico analysis supports that this missense variant has a deleterious effect on protein structure/function; Has not been previously published as pathogenic or benign to our knowledge

CeGaT Center for Human Genetics Tuebingen
Classification: Uncertain significance. Last evaluated: 2020-07-01. Review status: criteria provided, single submitter. Criteria: CeGaT Center For Human Genetics Tuebingen Variant Classification Criteria Version 2. Collection method: clinical testing. Allele origin: germline. Affected: yes. Observed: 1 variant allele.